The following is an entry in ClinVar:

NM_170606.3(KMT2C):c.4485A>G (p.Glu1495=)

Gene: KMT2C (lysine methyltransferase 2C; minus strand). Cytogenetic location: 7q36.1.
Variant type: single nucleotide variant.
Coding change: c.4485A>G on transcript NM_170606.3 (MANE Select); coding-DNA position 4485, A replaced by G.
Protein change: p.Glu1495=; no amino-acid change (glutamic acid 1495 retained).
Molecular consequence: synonymous variant.
Genome position (GRCh38, 1-based): chr7:152,194,462, T>C on the plus strand (A>G on the coding strand, the complement: KMT2C is on the minus strand). VCF-style: chr7-152194462-T-C. GRCh37 (hg19) VCF-style: chr7-151891547-T-C.
Identifiers: ClinVar variation 2658226 (VCV002658226.24), dbSNP rs754506246, ClinGen allele CA4580531.

ClinVar aggregate classification (germline): Likely benign (1 of 4 stars; one submission).

Allele frequency attached by ClinVar (database versions not stated): gnomAD 0.00001; TOPMed 0.00001; ExAC 0.00002; gnomAD exomes 0.00004.
gnomAD v4.1: 53 of 1,613,552 alleles (0.0033%); highest among the groups gnomAD compares: Middle Eastern, 0.033%; no homozygotes.

Submission:

CeGaT Center for Human Genetics Tuebingen
Classification: Likely benign. Last evaluated: 2022-08-01. Review status: criteria provided, single submitter. Criteria: CeGaT Center For Human Genetics Tuebingen Variant Classification Criteria Version 2. Collection method: clinical testing. Allele origin: germline. Affected: yes. Observed: 1 variant allele.
Comment: KMT2C: BP4, BP7